The following is an entry in ClinVar:

NM_001352514.2(HLCS):c.1347G>C (p.Arg449Ser)

Gene: HLCS (holocarboxylase synthetase; minus strand). Cytogenetic location: 21q22.13.
Variant type: single nucleotide variant.
Coding change: c.1347G>C on transcript NM_001352514.2 (MANE Select); coding-DNA position 1347, G replaced by C.
Protein change: p.Arg449Ser; replaces arginine 449 with serine.
Molecular consequence: missense variant. On other transcripts: non-coding transcript variant (2).
Genome position (GRCh38, 1-based): chr21:36,936,539, C>G on the plus strand (G>C on the coding strand, the complement: HLCS is on the minus strand). VCF-style: chr21-36936539-C-G. GRCh37 (hg19) VCF-style: chr21-38308839-C-G.
Other names: c.906G>C, p.Arg302Ser (NM_000411.8, NM_001242784.3, NM_001242785.2 and 4 more transcripts); short protein forms R302S, R449S.
Identifiers: ClinVar variation 418249 (VCV000418249.14), dbSNP rs142621386, ClinGen allele CA10020590.

ClinVar aggregate classification (germline): Conflicting classifications of pathogenicity. Review status: criteria provided, conflicting classifications (1 of 4 stars). 4 submissions from 4 submitters: Uncertain significance (2); Likely benign (2). Last evaluated 2026-01-31.

Conditions:
Inborn genetic diseases. Identifiers: MedGen C0950123, MeSH D030342.
Holocarboxylase synthetase deficiency. Also called: MULTIPLE CARBOXYLASE DEFICIENCY, EARLY ONSET. Identifiers: Orphanet 79242, MedGen C0268581, MONDO:0009666, OMIM 253270.

Allele frequency attached by ClinVar (database versions not stated): gnomAD exomes 0.00004 and 0.00013; ExAC 0.00020; ESP Exome Variant Server 0.00038; gnomAD 0.00038 and 0.00043; TOPMed 0.00046; 1000 Genomes Project 30x 0.00078; 1000 Genomes Project 0.00080.
gnomAD v4.1: 112 of 1,614,188 alleles (0.0069%); highest among the groups gnomAD compares: African/African-American, 0.14%; no homozygotes.

Submissions (4):

Labcorp Genetics (formerly Invitae), Labcorp
Classification: Likely benign for Holocarboxylase synthetase deficiency. Last evaluated: 2026-01-31. Review status: criteria provided, single submitter. Criteria: Invitae Variant Classification Sherloc (09022015). Collection method: clinical testing. Allele origin: germline.

Ambry Genetics
Classification: Likely benign for Inborn genetic diseases. Last evaluated: 2022-01-07. Review status: criteria provided, single submitter. Criteria: Ambry Variant Classification Scheme 2023. Collection method: clinical testing. Allele origin: germline.

Revvity Omics, Revvity
Classification: Uncertain significance for Holocarboxylase synthetase deficiency. Last evaluated: 2021-08-19. Review status: criteria provided, single submitter. Criteria: ACMG Guidelines, 2015. Collection method: clinical testing. Allele origin: germline.

GeneDx
Classification: Uncertain significance. Last evaluated: 2017-02-27. Review status: criteria provided, single submitter. Criteria: GeneDx Variant Classification (06012015). Collection method: clinical testing. Allele origin: germline. Affected: yes.
Comment: The R302S variant has not been published as a pathogenic variant, nor has it been reported as a benign variant to our knowledge. The R302S variant is observed in 0.1%-1% alleles from individuals of African background, in large population cohorts (Lek et al., 2016; 1000 Genomes Consortium et al., 2015; Exome Variant Server). The R302S variant is a semi-conservative amino acid substitution, which may impact secondary protein structure as these residues differ in some properties. This substitution occurs at a position not conserved. In silico analysis is inconsistent in its predictions as to whether or not the variant is damaging to the protein structure/function. In summary, based on the currently available information, it is unclear whether this variant is a pathogenic variant or a rare benign variant.